The following is an entry in ClinVar:

ClinVar aggregate classification (germline): Uncertain significance (1 of 4 stars; one submission).

Conditions:
PURA-related severe neonatal hypotonia-seizures-encephalopathy syndrome (NEDRIHF). Also called: NEURODEVELOPMENTAL DISORDER WITH NEONATAL RESPIRATORY INSUFFICIENCY, HYPOTONIA, AND FEEDING DIFFICULTIES; PURA-Related Neurodevelopmental Disorders. Identifiers: Orphanet 438213, Orphanet 438216, MedGen C4015357, MONDO:1060108, OMIM 616158, MONDO:0018580.

Submission:

Labcorp Genetics (formerly Invitae), Labcorp
Classification: Uncertain significance for PURA-related severe neonatal hypotonia-seizures-encephalopathy syndrome. Last evaluated: 2023-12-13. Review status: criteria provided, single submitter. Criteria: Invitae Variant Classification Sherloc (09022015). Collection method: clinical testing. Allele origin: germline.
Comment: This sequence change replaces alanine, which is neutral and non-polar, with valine, which is neutral and non-polar, at codon 291 of the PURA protein (p.Ala291Val). This variant is not present in population databases (gnomAD no frequency). This variant has not been reported in the literature in individuals affected with PURA-related conditions. ClinVar contains an entry for this variant (Variation ID: 2123004). An algorithm developed to predict the effect of missense changes on protein structure and function (PolyPhen-2) suggests that this variant is likely to be tolerated. In summary, the available evidence is currently insufficient to determine the role of this variant in disease. Therefore, it has been classified as a Variant of Uncertain Significance.

NM_005859.5(PURA):c.872C>T (p.Ala291Val)

Gene: PURA (purine rich element binding protein A; plus strand). Cytogenetic location: 5q31.3.
Variant type: single nucleotide variant.
Coding change: c.872C>T on transcript NM_005859.5 (MANE Select); coding-DNA position 872, C replaced by T.
Protein change: p.Ala291Val; replaces alanine 291 with valine.
Molecular consequence: missense variant.
Genome position (GRCh38, 1-based): chr5:140,115,053, C>T. VCF-style: chr5-140115053-C-T. GRCh37 (hg19) VCF-style: chr5-139494638-C-T.
Other names: short protein forms A291V.
Identifiers: ClinVar variation 2123004 (VCV002123004.4), dbSNP rs2479506329, ClinGen allele CA361491746.
Genomic context (GRCh38, chr5:140,115,053, plus strand): 5'-TCTGCAAGTACTCGGAGGAGATGAAGAAGATTCAAGAGAAGCAGAGGGAGAAGCGGGCTG[C>T]CTGTGAGCAGCTTCACCAGCAGCAACAGCAGCAGCAGGAGGAGACCGCCGCTGCCACCCT-3'
Protein context (NP_005850.1, residues 281-301): IQEKQREKRA[Ala291Val]CEQLHQQQQQ